The following is an entry in ClinVar:

ClinVar aggregate classification (germline): Uncertain significance (1 of 4 stars; one submission).

Conditions:
Hypertrophic cardiomyopathy. Also called: HYPERTROPHIC MYOCARDIOPATHY. Identifiers: Orphanet 217569, MedGen C0007194, MeSH D002312, MONDO:0005045, HP:0001639.

gnomAD v4.1: 1 of 1,613,948 alleles (0.000062%); highest among the groups gnomAD compares: Non-Finnish European, 0.000085%; no homozygotes.

Submission:

Labcorp Genetics (formerly Invitae), Labcorp
Classification: Uncertain significance for Hypertrophic cardiomyopathy. Last evaluated: 2025-10-27. Review status: criteria provided, single submitter. Criteria: Invitae Variant Classification Sherloc (09022015). Collection method: clinical testing. Allele origin: germline.
Comment: This sequence change replaces glycine, which is neutral and non-polar, with tryptophan, which is neutral and slightly polar, at codon 490 of the MYBPC3 protein (p.Gly490Trp). This variant is not present in population databases (gnomAD no frequency). This variant has not been reported in the literature in individuals affected with MYBPC3-related conditions. An algorithm developed to predict the effect of missense changes on protein structure and function (PolyPhen-2) suggests that this variant is likely to be disruptive. In summary, the available evidence is currently insufficient to determine the role of this variant in disease. Therefore, it has been classified as a Variant of Uncertain Significance.

NM_000256.3(MYBPC3):c.1468G>T (p.Gly490Trp)

Gene: MYBPC3 (myosin binding protein C3; minus strand). Cytogenetic location: 11p11.2.
Variant type: single nucleotide variant.
Coding change: c.1468G>T on transcript NM_000256.3 (MANE Select); coding-DNA position 1468, G replaced by T.
Protein change: p.Gly490Trp; replaces glycine 490 with tryptophan.
Molecular consequence: missense variant.
Genome position (GRCh38, 1-based): chr11:47,342,734, C>A on the plus strand (G>T on the coding strand, the complement: MYBPC3 is on the minus strand). VCF-style: chr11-47342734-C-A. GRCh37 (hg19) VCF-style: chr11-47364285-C-A.
Other names: short protein forms G490W.
Identifiers: ClinVar variation 4768323 (VCV004768323.1).